The following is an entry in ClinVar:

ClinVar aggregate classification (germline): Uncertain significance. Review status: criteria provided, multiple submitters, no conflicts (2 of 4 stars). 2 submissions from 2 submitters: Uncertain significance (2). Last evaluated 2025-01-17.

Conditions:
Inborn genetic diseases. Identifiers: MedGen C0950123, MeSH D030342.

Submissions (2):

Labcorp Genetics (formerly Invitae), Labcorp
Classification: Uncertain significance. Last evaluated: 2025-01-17. Review status: criteria provided, single submitter. Criteria: Invitae Variant Classification Sherloc (09022015). Collection method: clinical testing. Allele origin: germline.
Comment: This sequence change replaces valine, which is neutral and non-polar, with phenylalanine, which is neutral and non-polar, at codon 111 of the THBD protein (p.Val111Phe). This variant is not present in population databases (gnomAD no frequency). This variant has not been reported in the literature in individuals affected with THBD-related conditions. ClinVar contains an entry for this variant (Variation ID: 2623738). Invitae Evidence Modeling of protein sequence and biophysical properties (such as structural, functional, and spatial information, amino acid conservation, physicochemical variation, residue mobility, and thermodynamic stability) indicates that this missense variant is expected to disrupt THBD protein function with a positive predictive value of 80%. In summary, the available evidence is currently insufficient to determine the role of this variant in disease. Therefore, it has been classified as a Variant of Uncertain Significance.

Ambry Genetics
Classification: Uncertain significance for Inborn genetic diseases. Last evaluated: 2023-09-13. Review status: criteria provided, single submitter. Criteria: Ambry Variant Classification Scheme 2023. Collection method: clinical testing. Allele origin: germline.

NM_000361.3(THBD):c.331G>T (p.Val111Phe)

Gene: THBD (thrombomodulin; minus strand). Cytogenetic location: 20p11.21.
Variant type: single nucleotide variant.
Coding change: c.331G>T on transcript NM_000361.3 (MANE Select); coding-DNA position 331, G replaced by T.
Protein change: p.Val111Phe; replaces valine 111 with phenylalanine.
Molecular consequence: missense variant.
Genome position (GRCh38, 1-based): chr20:23,049,174, C>A on the plus strand (G>T on the coding strand, the complement: THBD is on the minus strand). VCF-style: chr20-23049174-C-A. GRCh37 (hg19) VCF-style: chr20-23029811-C-A.
Other names: short protein forms V111F.
Identifiers: ClinVar variation 2623738 (VCV002623738.4), dbSNP rs886056549, ClinGen allele CA408407913.
Genomic context (GRCh38, chr20:23,049,174, plus strand): 5'-GAGCCCCATTGAGGTCGAGCCGTGCCCACCTGCTATAGCTGGTGTTGTTGTCTCCCGTAA[C>A]CCACTGGAAGCCGCGCAGGGGCCCGAGGCGCTTGGGGTCGCCGCAGCCGGGTGGCAGCTG-3'
Protein context (NP_000352.1, residues 101-121): RLGPLRGFQW[Val111Phe]TGDNNTSYSR